The following is an entry in ClinVar:

NR_046473.1(MEG3):n.4210A>G

Gene: MEG3 (maternally expressed 3; plus strand). Cytogenetic location: 14q32.2.
Variant type: single nucleotide variant.
Molecular consequence: non-coding transcript variant (on NR_046473.1).
Genome position: GRCh38 VCF-style: chr14-100848826-A-G. GRCh37 (hg19) VCF-style: chr14-101315163-A-G.
Identifiers: ClinVar variation 3056329 (VCV003056329.2), dbSNP rs7155428, ClinGen allele CA13971812.

ClinVar aggregate classification (germline): Benign (0 of 4 stars; one submission).

Conditions:
MEG3-related disorder. Also called: MEG3-related condition.

Allele frequency attached by ClinVar (database versions not stated): 1000 Genomes Project 30x 0.22564; 1000 Genomes Project 0.23303; TOPMed 0.25547; gnomAD 0.26372; gnomAD exomes 0.40000.
gnomAD v4.1: 40,244 of 152,098 alleles (26%); highest among the groups gnomAD compares: Non-Finnish European, 34%; 6,175 homozygotes.

Submission:

PreventionGenetics, part of Exact Sciences
Classification: Benign for MEG3-related condition. Last evaluated: 2019-09-19. Review status: no assertion criteria provided. Collection method: clinical testing. Allele origin: germline.
Comment: This variant is classified as benign based on ACMG/AMP sequence variant interpretation guidelines (Richards et al. 2015 PMID: 25741868, with internal and published modifications).